The following is an entry in ClinVar:

NM_006231.4(POLE):c.2836A>G (p.Lys946Glu)

Gene: POLE (DNA polymerase epsilon, catalytic subunit; minus strand). Cytogenetic location: 12q24.33.
Variant type: single nucleotide variant.
Coding change: c.2836A>G on transcript NM_006231.4 (MANE Select); coding-DNA position 2836, A replaced by G.
Protein change: p.Lys946Glu; replaces lysine 946 with glutamic acid.
Molecular consequence: missense variant.
Genome position (GRCh38, 1-based): chr12:132,661,555, T>C on the plus strand (A>G on the coding strand, the complement: POLE is on the minus strand). VCF-style: chr12-132661555-T-C. GRCh37 (hg19) VCF-style: chr12-133238141-T-C.
Other names: short protein forms K946E.
Identifiers: ClinVar variation 1062545 (VCV001062545.11), dbSNP rs2135948216, ClinGen allele CA387393632.

ClinVar aggregate classification (germline): Uncertain significance. Review status: criteria provided, multiple submitters, no conflicts (2 of 4 stars). 2 submissions from 2 submitters: Uncertain significance (2). Last evaluated 2025-10-23.

Conditions:
Hereditary cancer-predisposing syndrome. Also called: Hereditary Cancer Syndrome; Hereditary neoplastic syndrome; Neoplastic Syndromes, Hereditary; Tumor predisposition. Identifiers: Orphanet 140162, MedGen C0027672, MeSH D009386, MONDO:0015356.

Submissions (2):

Labcorp Genetics (formerly Invitae), Labcorp
Classification: Uncertain significance. Last evaluated: 2025-10-23. Review status: criteria provided, single submitter. Criteria: Invitae Variant Classification Sherloc (09022015). Collection method: clinical testing. Allele origin: germline.
Comment: This sequence change replaces lysine, which is basic and polar, with glutamic acid, which is acidic and polar, at codon 946 of the POLE protein (p.Lys946Glu). This variant is not present in population databases (gnomAD no frequency). This variant has not been reported in the literature in individuals affected with POLE-related conditions. ClinVar contains an entry for this variant (Variation ID: 1062545). Invitae Evidence Modeling of protein sequence and biophysical properties (such as structural, functional, and spatial information, amino acid conservation, physicochemical variation, residue mobility, and thermodynamic stability) indicates that this missense variant is expected to disrupt POLE protein function with a positive predictive value of 80%. In summary, the available evidence is currently insufficient to determine the role of this variant in disease. Therefore, it has been classified as a Variant of Uncertain Significance.

Ambry Genetics
Classification: Uncertain significance for Hereditary cancer-predisposing syndrome. Last evaluated: 2021-12-18. Review status: criteria provided, single submitter. Criteria: Ambry Variant Classification Scheme 2023. Collection method: clinical testing. Allele origin: germline.
Comment: The p.K946E variant (also known as c.2836A>G), located in coding exon 24 of the POLE gene, results from an A to G substitution at nucleotide position 2836. The lysine at codon 946 is replaced by glutamic acid, an amino acid with similar properties. This amino acid position is conserved. In addition, the in silico prediction for this alteration is inconclusive. Since supporting evidence is limited at this time, the clinical significance of this alteration remains unclear.